The following is an entry in ClinVar:

NM_001005242.3(PKP2):c.1379-2022G>A

Gene: PKP2 (plakophilin 2; minus strand). Cytogenetic location: 12p11.21.
Variant type: single nucleotide variant.
Coding change: c.1379-2022G>A on transcript NM_001005242.3 (MANE Select); 2022 bases into the intron before coding-DNA position 1379, G replaced by A.
Molecular consequence: intron variant. On other transcripts: missense variant (1).
Genome position (GRCh38, 1-based): chr12:32,843,227, C>T on the plus strand (G>A on the coding strand, the complement: PKP2 is on the minus strand). VCF-style: chr12-32843227-C-T. GRCh37 (hg19) VCF-style: chr12-32996161-C-T.
Other names: c.1465G>A, p.Gly489Arg (NM_004572.4); short protein forms G489R.
Identifiers: ClinVar variation 161331 (VCV000161331.20), dbSNP rs111450489, ClinGen allele CA010581.

ClinVar aggregate classification (germline): Conflicting classifications of pathogenicity. Review status: criteria provided, conflicting classifications (1 of 4 stars). 8 submissions from 8 submitters: Uncertain significance (6); Likely benign (2). Last evaluated 2025-12-22.

Conditions:
Cardiovascular phenotype. Identifiers: MedGen CN230736.
Cardiomyopathy (CMYO). Also called: Cardiomyopathies. Identifiers: Orphanet 167848, MedGen C0878544, MONDO:0004994, HP:0001638. Inheritance: Various modes of inheritance.
Arrhythmogenic right ventricular cardiomyopathy (ARVD). Also called: Arrhythmogenic cardiomyopathy; Arrhythmogenic Right Ventricular Cardiomyopathy (ARVC); Cardiomyopathy, ARVC; Arrhythmogenic right ventricular dysplasia. Identifiers: Orphanet 247, MedGen C0349788, MeSH D019571, MONDO:0016587. Disease mechanism: loss of function. Inheritance: Various modes of inheritance.
Arrhythmogenic right ventricular dysplasia 9 (ARVD9). Also called: Arrhythmogenic Right Ventricular Dysplasia/Cardiomyopathy 9; ARRHYTHMOGENIC RIGHT VENTRICULAR DYSPLASIA, FAMILIAL, 9. Identifiers: MedGen C1836906, MONDO:0012180, OMIM 609040.

Allele frequency attached by ClinVar (database versions not stated): ESP Exome Variant Server 0.00008; ExAC 0.00009; TOPMed 0.00003; gnomAD 0.00004 and 0.00005; gnomAD exomes 0.00004.
gnomAD v4.1: 64 of 747,806 alleles (0.0086%); highest among the groups gnomAD compares: South Asian, 0.014%; no homozygotes.

Submissions (8):

Labcorp Genetics (formerly Invitae), Labcorp
Classification: Uncertain significance for Arrhythmogenic right ventricular dysplasia 9. Last evaluated: 2025-12-22. Review status: criteria provided, single submitter. Criteria: Invitae Variant Classification Sherloc (09022015). Collection method: clinical testing. Allele origin: germline.
Comment: This sequence change replaces glycine, which is neutral and non-polar, with arginine, which is basic and polar, at codon 489 of the PKP2 protein (p.Gly489Arg). The frequency data for this variant in the population databases is considered unreliable, as metrics indicate poor data quality at this position in the gnomAD database. This missense change has been observed in individual(s) with arrhythmogenic right ventricular cardiomyopathy (PMID: 19880068, 19955750). ClinVar contains an entry for this variant (Variation ID: 161331). An algorithm developed to predict the effect of missense changes on protein structure and function (PolyPhen-2) suggests that this variant is likely to be tolerated. In summary, the available evidence is currently insufficient to determine the role of this variant in disease. Therefore, it has been classified as a Variant of Uncertain Significance.

Color Diagnostics, LLC DBA Color Health
Classification: Likely benign for Cardiomyopathy. Last evaluated: 2025-02-18. Review status: criteria provided, single submitter. Criteria: ACMG Guidelines, 2015. Collection method: clinical testing. Allele origin: germline.

Mayo Clinic Laboratories, Mayo Clinic
Classification: Uncertain significance. Last evaluated: 2025-02-18. Review status: criteria provided, single submitter. Criteria: ACMG Guidelines, 2015. Collection method: clinical testing. Allele origin: germline. Observed: 1 variant allele.
Comment: BP4

All of Us Research Program, National Institutes of Health
Classification: Uncertain significance for Arrhythmogenic right ventricular cardiomyopathy. Last evaluated: 2023-12-18. Review status: criteria provided, single submitter. Criteria: ACMG Guidelines, 2015. Collection method: clinical testing. Allele origin: germline. Inheritance: Autosomal dominant inheritance. Observed: 5 variant alleles, 5 heterozygotes.
Comment: This missense variant replaces glycine with arginine at codon 489 of the PKP2 protein. Computational prediction suggests that this variant may not impact protein structure and function (internally defined REVEL score threshold <= 0.5, PMID: 27666373). To our knowledge, functional studies have not been reported for this variant. This variant has been reported in two individuals affected with arrhythmogenic right ventricular cardiomyopathy (PMID: 19880068, 19955750). This variant has been identified in 11/264292 chromosomes in the general population by the Genome Aggregation Database (gnomAD). The available evidence is insufficient to determine the role of this variant in disease conclusively. Therefore, this variant is classified as a Variant of Uncertain Significance.

This study involves interpretation of variants in research participants for the purpose of population health screening. Participant phenotype was not available at the time of variant classification. Additional details can be found in publication PMID: 35346344, PMCID: PMC8962531

Revvity Omics, Revvity
Classification: Uncertain significance for Arrhythmogenic right ventricular dysplasia 9. Last evaluated: 2022-03-17. Review status: criteria provided, single submitter. Criteria: ACMG Guidelines, 2015. Collection method: clinical testing. Allele origin: germline.

Fulgent Genetics
Classification: Uncertain significance for Arrhythmogenic right ventricular dysplasia 9. Last evaluated: 2021-09-22. Review status: criteria provided, single submitter. Criteria: ACMG Guidelines, 2015. Collection method: clinical testing. Allele origin: unknown.

Ambry Genetics
Classification: Likely benign for Cardiovascular phenotype. Last evaluated: 2021-05-27. Review status: criteria provided, single submitter. Criteria: Ambry Variant Classification Scheme 2023. Collection method: clinical testing. Allele origin: germline.

CSER _CC_NCGL, University of Washington
Classification: Uncertain significance for Arrhythmogenic right ventricular cardiomyopathy. Last evaluated: 2014-06-01. Review status: criteria provided, single submitter. Criteria: Amendola et al. (Genome Res. 2015). Collection method: research. Allele origin: germline. Inheritance: Autosomal dominant inheritance. Study: ESP 6500 variant annotation.
Comment: Low GERP score may suggest that this variant may belong in a lower pathogenicity class

Variants classified for the Actionable exomic incidental findings in 6503 participants: challenges of variant classification manuscript

Literature cited by the submitters: PubMed 19880068 (cited by 4 submitters); PubMed 19955750 (cited by 4 submitters); PubMed 21378009 (cited by Mayo Clinic Laboratories, Mayo Clinic and Ambry Genetics); PubMed 23299917 (cited by Mayo Clinic Laboratories, Mayo Clinic and Ambry Genetics); PubMed 25637381 (cited by Mayo Clinic Laboratories, Mayo Clinic and Ambry Genetics); PubMed 31402444 (cited by Mayo Clinic Laboratories, Mayo Clinic).